The following is an entry in ClinVar:

ClinVar aggregate classification (germline): Likely pathogenic. Review status: criteria provided, multiple submitters, no conflicts (2 of 4 stars). 6 submissions from 6 submitters: Likely pathogenic (4). 2 of the submissions do not count toward it. Last evaluated 2025-02-23.

Conditions:
Neuronal ceroid lipofuscinosis. Also called: Neuronal Ceroid Lipofuscinoses. Identifiers: Orphanet 216, Orphanet 79263, MedGen C0027877, MONDO:0016295. Disease mechanism: loss of function.
Neuronal ceroid lipofuscinosis 1 (CLN1). Also called: CEROID LIPOFUSCINOSIS, NEURONAL, 1, VARIABLE AGE AT ONSET; PPT1-Related Neuronal Ceroid-Lipofuscinosis. Identifiers: Orphanet 228329, MedGen C1850451, MONDO:0009744, OMIM 256730.

Submissions (6):

Labcorp Genetics (formerly Invitae), Labcorp
Classification: Likely pathogenic for Neuronal ceroid lipofuscinosis 1. Last evaluated: 2025-02-23. Review status: criteria provided, single submitter. Criteria: Invitae Variant Classification Sherloc (09022015). Collection method: clinical testing. Allele origin: germline.
Comment: This variant, c.255_257del, results in the deletion of 1 amino acid(s) of the PPT1 protein (p.Phe85del), but otherwise preserves the integrity of the reading frame. This variant is not present in population databases (gnomAD no frequency). This variant has been observed in individual(s) with PPT1-related disorders (PMID: 10649502, 10679943, 11589012). In at least one individual the data is consistent with being in trans (on the opposite chromosome) from a pathogenic variant. This variant is also known as c252-254delCTT and c249-251delCTT. Algorithms developed to predict the effect of variants on gene product structure and function are not available or were not evaluated for this variant. Experimental studies have shown that this variant affects PPT1 function (PMID: 11520175, 17565660). In summary, the currently available evidence indicates that the variant is pathogenic, but additional data are needed to prove that conclusively. Therefore, this variant has been classified as Likely Pathogenic.

Natera, Inc.
Classification: Likely pathogenic for Neuronal ceroid lipofuscinosis 1. Last evaluated: 2024-09-09. Review status: criteria provided, single submitter. Criteria: Natera Variant Classification Schema (03/2026). Collection method: clinical testing. Allele origin: germline.
Comment: The c.255_257delCTT variant in PPT1 is an in-frame deletion predicted to remove phenylalanine at amino acid 85 while preserving the reading frame. This variant is rare in the general population with a frequency below the threshold expected for the associated phenotype(s). This variant has been observed in one or more individuals affected with the associated recessive disease, as either homozygous or compound heterozygous with a second variant (PMID: 10679943, 10649502). Functional studies show that this variant may disrupt protein function (PMID: 11520175). This variant results in a change to the protein length while preserving reading frame, which may disrupt normal protein structure or function. Computational prediction algorithms indicate this variant is likely to affect gene or protein function. Given the available evidence, this variant is classified as Likely Pathogenic.

Baylor Genetics
Classification: Likely pathogenic for Neuronal ceroid lipofuscinosis 1. Last evaluated: 2023-01-30. Review status: criteria provided, single submitter. Criteria: ACMG Guidelines, 2015. Collection method: clinical testing. Allele origin: unknown.

Women's Health and Genetics/Laboratory Corporation of America, LabCorp
Classification: Likely pathogenic for Neuronal ceroid lipofuscinosis. Last evaluated: 2022-02-02. Review status: criteria provided, single submitter. Criteria: LabCorp Variant Classification Summary - May 2015. Collection method: clinical testing. Allele origin: germline.
Comment: Variant summary: PPT1 c.255_257delCTT (p.Phe85del) results in an in-frame deletion that is predicted to remove one amino acid from the encoded protein. The variant was absent in 251442 control chromosomes. c.255_257delCTT has been reported in the literature in individuals affected with Neuronal Ceroid-Lipofuscinosis (Batten Disease, Waliany_1999, Salonen_2000). These data indicate that the variant may be associated with disease. At least one publication reports experimental evidence evaluating an impact on protein function. The most pronounced variant effect results in <10% of normal activity (Salonen_2001). Two clinical diagnostic laboratories have submitted clinical-significance assessments for this variant to ClinVar after 2014 without evidence for independent evaluation. Both laboratories classified the variant as likely pathogenic. Based on the evidence outlined above, the variant was classified as likely pathogenic.

Counsyl
Classification: Likely pathogenic for Neuronal ceroid lipofuscinosis 1. Last evaluated: 2016-03-15. Review status: no assertion criteria provided. Collection method: clinical testing. Allele origin: unknown. Not counted in ClinVar's aggregate classification.

Juha Muilu Group; Institute for Molecular Medicine Finland (FIMM)
Classification: Likely pathogenic for Ceroid lipofuscinosis neuronal 1. Review status: no assertion criteria provided. Collection method: not provided. Allele origin: unknown. Not counted in ClinVar's aggregate classification.
Comment: FinDis database variant: This variant was not found or characterized by our laboratory, data were collected from public sources: see reference
ClinVar note: Converted during submission from probable-pathogenic to Likely pathogenic.

Literature cited by the submitters: PubMed 10649502 (cited by 4 submitters); PubMed 10679943 (cited by 4 submitters); PubMed 11589012 (cited by Labcorp Genetics (formerly Invitae), Labcorp and Counsyl); PubMed 11520175 (cited by 4 submitters); PubMed 17565660 (cited by Labcorp Genetics (formerly Invitae), Labcorp and Counsyl).

NM_000310.4(PPT1):c.249CTT[2] (p.Phe85del)

Gene: PPT1 (palmitoyl-protein thioesterase 1; minus strand). Cytogenetic location: 1p34.2.
Variant type: Microsatellite.
Coding change: c.249CTT[2] on transcript NM_000310.4 (MANE Select); two copies in a row of the 3-base unit CTT starting at c.249; the reference has three copies in a row; one copy, 3 bases deleted; also written c.255_257del.
Protein change: p.Phe85del; deletes phenylalanine 85.
Molecular consequence: inframe deletion. On other transcripts: intron variant (1).
Genome position (GRCh38, 1-based): chr1:40,092,150-40,092,152, AAG deleted on the plus strand (CTT on the coding strand, the reverse complement: PPT1 is on the minus strand); deleting any 3 consecutive bases within chr1:40,092,150-40,092,158 gives the same sequence; the position shown is the placement nearest the transcript's 3' end. VCF-style (leftmost placement, unchanged base first): chr1-40092149-CAAG-C. GRCh37 (hg19) VCF-style: chr1-40557821-CAAG-C.
Other names: c.255_257delCTT (NM_000310.3); c.255_257del (NM_000310.4); c.249CTT[2], p.Phe85del (NM_001363695.2); c.125-2646CTT[2] (NM_001142604.2); short protein forms F85del.
Identifiers: ClinVar variation 56185 (VCV000056185.17), dbSNP rs386833637, ClinGen allele CA263484.
Genomic context (GRCh38, chr1:40,092,149, plus strand): 5'-CTGCAATTTAGGATCCTTAGCAAGTGCCTGACACACTGTTGTTACTTGGGAATTGACATT[CAAG>C]AAGAAGCTGTTCTCCACGTCCTAAAAAAGAAGCCAGAGAGAAGTGAGAGGATGGGACTGA-3'